The following is an entry in ClinVar:

NM_178138.6(LHX3):c.710G>T (p.Gly237Val)

Gene: LHX3 (LIM homeobox 3; minus strand). Cytogenetic location: 9q34.3.
Variant type: single nucleotide variant.
Coding change: c.710G>T on transcript NM_178138.6 (MANE Select); coding-DNA position 710, G replaced by T.
Protein change: p.Gly237Val; replaces glycine 237 with valine.
Molecular consequence: missense variant.
Genome position (GRCh38, 1-based): chr9:136,198,717, C>A on the plus strand (G>T on the coding strand, the complement: LHX3 is on the minus strand). VCF-style: chr9-136198717-C-A. GRCh37 (hg19) VCF-style: chr9-139090563-C-A.
Other names: c.677G>T, p.Gly226Val (NM_001363746.1); c.725G>T, p.Gly242Val (NM_014564.5); short protein forms G226V, G237V, G242V.
Identifiers: ClinVar variation 3384906 (VCV003384906.1).

ClinVar aggregate classification (germline): Uncertain significance (1 of 4 stars; one submission).

gnomAD v4.1: 4 of 1,611,346 alleles (0.00025%); highest among the groups gnomAD compares: Non-Finnish European, 0.00034%; no homozygotes.

Submission:

Women's Health and Genetics/Laboratory Corporation of America, LabCorp
Classification: Uncertain significance. Last evaluated: 2024-10-29. Review status: criteria provided, single submitter. Criteria: LabCorp Variant Classification Summary - May 2015. Collection method: clinical testing. Allele origin: germline.
Comment: Variant summary: LHX3 c.725G>T (p.Gly242Val) results in a non-conservative amino acid change in the encoded protein sequence. Three of five in-silico tools predict a benign effect of the variant on protein function. The frequency data for this variant in gnomAD is considered unreliable, as metrics indicate poor data quality at this position. To our knowledge, no occurrence of c.725G>T in individuals affected with Combined Pituitary Hormone Deficiency and no experimental evidence demonstrating its impact on protein function have been reported. No submitters have cited clinical-significance assessments for this variant to ClinVar. Based on the evidence outlined above, the variant was classified as uncertain significance.